The following is an entry in ClinVar:

NM_004360.5(CDH1):c.710C>T (p.Ser237Phe)

Gene: CDH1 (cadherin 1; plus strand). Cytogenetic location: 16q22.1.
Variant type: single nucleotide variant.
Coding change: c.710C>T on transcript NM_004360.5 (MANE Select); coding-DNA position 710, C replaced by T.
Protein change: p.Ser237Phe; replaces serine 237 with phenylalanine.
Molecular consequence: missense variant. On other transcripts: 5 prime UTR variant (2).
Genome position (GRCh38, 1-based): chr16:68,810,219, C>T. VCF-style: chr16-68810219-C-T. GRCh37 (hg19) VCF-style: chr16-68844122-C-T.
Other names: c.710C>T, p.Ser237Phe (NM_001317184.2); c.-906C>T (NM_001317185.2); c.-1110C>T (NM_001317186.2); short protein forms S237F.
Identifiers: ClinVar variation 5033940 (VCV005033940.1).

ClinVar aggregate classification (germline): Uncertain significance (1 of 4 stars; one submission).

Conditions:
Hereditary cancer-predisposing syndrome. Also called: Neoplastic Syndromes, Hereditary; Tumor predisposition; Hereditary neoplastic syndrome; Hereditary Cancer Syndrome. Identifiers: Orphanet 140162, MedGen C0027672, MeSH D009386, MONDO:0015356.

Submission:

Ambry Genetics
Classification: Uncertain significance for Hereditary cancer-predisposing syndrome. Last evaluated: 2026-07-06. Review status: criteria provided, single submitter. Criteria: Ambry Variant Classification Scheme 2023. Collection method: clinical testing. Allele origin: germline.
Comment: The p.S237F variant (also known as c.710C>T), located in coding exon 6 of the CDH1 gene, results from a C to T substitution at nucleotide position 710. The serine at codon 237 is replaced by phenylalanine, an amino acid with highly dissimilar properties. This amino acid position is conserved. In addition, this alteration is predicted to be tolerated by in silico analysis. Based on the available evidence, the clinical significance of this variant remains unclear.